The following is an entry in ClinVar:

ClinVar aggregate classification (germline): Uncertain significance (1 of 4 stars; one submission).

Conditions:
Cardiovascular phenotype. Identifiers: MedGen CN230736.

Submission:

Ambry Genetics
Classification: Uncertain significance for Cardiovascular phenotype. Last evaluated: 2024-10-17. Review status: criteria provided, single submitter. Criteria: Ambry Variant Classification Scheme 2023. Collection method: clinical testing. Allele origin: germline.
Comment: The c.29220T>G variant (also known as p.S9740S), located in coding exon 117 of the TTN gene, results from a T to G substitution at nucleotide position 29220. This nucleotide substitution does not change the amino acid at codon 9740. This nucleotide position is not well conserved in available vertebrate species. In silico splice site analysis for this alteration is inconclusive. Based on the available evidence, the clinical significance of this variant remains unclear.

NM_001267550.2(TTN):c.56415T>G (p.Ser18805=)

Genes: TTN (titin; minus strand), TTN-AS1 (TTN antisense RNA 1; plus strand). Cytogenetic location: 2q31.2.
Variant type: single nucleotide variant.
Coding change: c.56415T>G on transcript NM_001267550.2 (MANE Select); coding-DNA position 56415, T replaced by G.
Protein change: p.Ser18805=; no amino-acid change (serine 18805 retained).
Molecular consequence: synonymous variant.
Genome position (GRCh38, 1-based): chr2:178,599,378, A>C on the plus strand (T>G on the coding strand, the complement: TTN is on the minus strand). VCF-style: chr2-178599378-A-C. GRCh37 (hg19) VCF-style: chr2-179464105-A-C.
Other names: c.51492T>G, p.Ser17164= (NM_001256850.1); c.29220T>G, p.Ser9740= (NM_003319.4); c.48711T>G, p.Ser16237= (NM_133378.4); c.29595T>G, p.Ser9865= (NM_133432.3); c.29796T>G, p.Ser9932= (NM_133437.4).
Identifiers: ClinVar variation 3463804 (VCV003463804.1).